The following is an entry in ClinVar:

NM_177986.5(DSG4):c.2749T>C (p.Cys917Arg)

Genes: DSG1-AS1 (DSG1 antisense RNA 1; minus strand), DSG4 (desmoglein 4; plus strand). Cytogenetic location: 18q12.1.
Variant type: single nucleotide variant.
Coding change: c.2749T>C on transcript NM_177986.5 (MANE Select); coding-DNA position 2749, T replaced by C.
Protein change: p.Cys917Arg; replaces cysteine 917 with arginine.
Molecular consequence: missense variant.
Genome position (GRCh38, 1-based): chr18:31,413,221, T>C. VCF-style: chr18-31413221-T-C. GRCh37 (hg19) VCF-style: chr18-28993184-T-C.
Other names: c.2806T>C, p.Cys936Arg (NM_001134453.3); short protein forms C917R, C936R.
Identifiers: ClinVar variation 3350027 (VCV003350027.1).

ClinVar aggregate classification (germline): Uncertain significance (0 of 4 stars; one submission).

Conditions:
DSG4-related disorder. Also called: DSG4-related condition.

gnomAD v4.1: 2 of 1,614,164 alleles (0.00012%); highest among the groups gnomAD compares: Non-Finnish European, 0.00017%; no homozygotes.

Submission:

PreventionGenetics, part of Exact Sciences
Classification: Uncertain significance for DSG4-related condition. Last evaluated: 2024-03-27. Review status: no assertion criteria provided. Collection method: clinical testing. Allele origin: germline.
Comment: The DSG4 c.2749T>C variant is predicted to result in the amino acid substitution p.Cys917Arg. To our knowledge, this variant has not been reported in the literature or in a large population database, indicating this variant is rare. At this time, the clinical significance of this variant is uncertain due to the absence of conclusive functional and genetic evidence.